The following is an entry in ClinVar:

NM_005458.8(GABBR2):c.821G>C (p.Gly274Ala)

Gene: GABBR2 (gamma-aminobutyric acid type B receptor subunit 2; minus strand). Cytogenetic location: 9q22.33.
Variant type: single nucleotide variant.
Coding change: c.821G>C on transcript NM_005458.8 (MANE Select); coding-DNA position 821, G replaced by C.
Protein change: p.Gly274Ala; replaces glycine 274 with alanine.
Molecular consequence: missense variant.
Genome position (GRCh38, 1-based): chr9:98,473,324, C>G on the plus strand (G>C on the coding strand, the complement: GABBR2 is on the minus strand). VCF-style: chr9-98473324-C-G. GRCh37 (hg19) VCF-style: chr9-101235606-C-G.
Other names: short protein forms G274A.
Identifiers: ClinVar variation 2128542 (VCV002128542.4), dbSNP rs2491670950, ClinGen allele CA374351628.

ClinVar aggregate classification (germline): Uncertain significance (1 of 4 stars; one submission).

Conditions:
Epileptic encephalopathy. Identifiers: MedGen C0543888, HP:0200134.

Submission:

Labcorp Genetics (formerly Invitae), Labcorp
Classification: Uncertain significance for Epileptic encephalopathy. Last evaluated: 2024-11-11. Review status: criteria provided, single submitter. Criteria: Invitae Variant Classification Sherloc (09022015). Collection method: clinical testing. Allele origin: germline.
Comment: This sequence change replaces glycine, which is neutral and non-polar, with alanine, which is neutral and non-polar, at codon 274 of the GABBR2 protein (p.Gly274Ala). This variant is not present in population databases (gnomAD no frequency). This variant has not been reported in the literature in individuals affected with GABBR2-related conditions. ClinVar contains an entry for this variant (Variation ID: 2128542). Invitae Evidence Modeling of protein sequence and biophysical properties (such as structural, functional, and spatial information, amino acid conservation, physicochemical variation, residue mobility, and thermodynamic stability) indicates that this missense variant is expected to disrupt GABBR2 protein function with a positive predictive value of 80%. In summary, the available evidence is currently insufficient to determine the role of this variant in disease. Therefore, it has been classified as a Variant of Uncertain Significance.